The following is an entry in ClinVar:

NM_001876.4(CPT1A):c.478C>T (p.Arg160Ter)

Gene: CPT1A (carnitine palmitoyltransferase 1A; minus strand). Cytogenetic location: 11q13.3.
Variant type: single nucleotide variant.
Coding change: c.478C>T on transcript NM_001876.4 (MANE Select); coding-DNA position 478, C replaced by T.
Protein change: p.Arg160Ter; replaces arginine 160 with a stop codon.
Molecular consequence: nonsense.
Genome position (GRCh38, 1-based): chr11:68,804,077, G>A on the plus strand (C>T on the coding strand, the complement: CPT1A is on the minus strand). VCF-style: chr11-68804077-G-A. GRCh37 (hg19) VCF-style: chr11-68571545-G-A.
Other names: c.478C>T, p.Arg160Ter (NM_001031847.3); short protein forms R160*.
Identifiers: ClinVar variation 65654 (VCV000065654.17), dbSNP rs80356782, ClinGen allele CA344984.

ClinVar aggregate classification (germline): Pathogenic. Review status: criteria provided, multiple submitters, no conflicts (2 of 4 stars). 3 submissions from 3 submitters: Pathogenic (2). 1 of the submissions does not count toward it. Last evaluated 2024-09-23.

Conditions:
Carnitine palmitoyl transferase 1A deficiency. Also called: Carnitine palmitoyltransferase 1A deficiency; CPT deficiency, hepatic, type IA; Carnitine palmitoyltransferase type I deficiency; CPT I DEFICIENCY; CPT DEFICIENCY, HEPATIC, TYPE I. Identifiers: Orphanet 156, MedGen C1829703, MONDO:0009705, OMIM 255120.

Allele frequency attached by ClinVar (database versions not stated): gnomAD exomes below 0.00001.
gnomAD v4.1: 3 of 1,613,924 alleles (0.00019%); highest among the groups gnomAD compares: East Asian, 0.0022%; no homozygotes.

Submissions (3):

Labcorp Genetics (formerly Invitae), Labcorp
Classification: Pathogenic for Carnitine palmitoyl transferase 1A deficiency. Last evaluated: 2024-09-23. Review status: criteria provided, single submitter. Criteria: Invitae Variant Classification Sherloc (09022015). Collection method: clinical testing. Allele origin: germline.
Comment: This sequence change creates a premature translational stop signal (p.Arg160*) in the CPT1A gene. It is expected to result in an absent or disrupted protein product. Loss-of-function variants in CPT1A are known to be pathogenic (PMID: 16169268). This variant is not present in population databases (gnomAD no frequency). This premature translational stop signal has been observed in individual(s) with carnitine palmitoyltransferase 1A deficiency (PMID: 15110323, 16146704). ClinVar contains an entry for this variant (Variation ID: 65654). For these reasons, this variant has been classified as Pathogenic.

Fulgent Genetics
Classification: Pathogenic for Carnitine palmitoyl transferase 1A deficiency. Last evaluated: 2022-03-28. Review status: criteria provided, single submitter. Criteria: ACMG Guidelines, 2015. Collection method: clinical testing. Allele origin: unknown.

GeneReviews
No classification provided. Condition: Carnitine palmitoyl transferase 1A deficiency. Review status: no classification provided. Collection method: literature only. Allele origin: germline. Not counted in ClinVar's aggregate classification.

Literature cited by the submitters: PubMed 16169268 (cited by Labcorp Genetics (formerly Invitae), Labcorp); PubMed 15110323 (cited by Labcorp Genetics (formerly Invitae), Labcorp); PubMed 16146704 (cited by Labcorp Genetics (formerly Invitae), Labcorp); NCBI Bookshelf NBK1527 (cited by GeneReviews).